The following is an entry in ClinVar:

NM_016222.4(DDX41):c.798+4A>T

Gene: DDX41 (DEAD-box helicase 41; minus strand). Cytogenetic location: 5q35.3.
Variant type: single nucleotide variant.
Coding change: c.798+4A>T on transcript NM_016222.4 (MANE Select); 4 bases into the intron after coding-DNA position 798, A replaced by T.
Molecular consequence: intron variant.
Genome position (GRCh38, 1-based): chr5:177,514,912, T>A on the plus strand (A>T on the coding strand, the complement: DDX41 is on the minus strand). VCF-style: chr5-177514912-T-A. GRCh37 (hg19) VCF-style: chr5-176941913-T-A.
Other names: c.420+4A>T (NM_001321830.2, NM_001321732.2).
Identifiers: ClinVar variation 4010278 (VCV004010278.1).

ClinVar aggregate classification (germline): Uncertain significance (1 of 4 stars; one submission).

Conditions:
Inborn genetic diseases. Identifiers: MedGen C0950123, MeSH D030342.

Submission:

Ambry Genetics
Classification: Uncertain significance for Inborn genetic diseases. Last evaluated: 2025-04-02. Review status: criteria provided, single submitter. Criteria: Ambry Variant Classification Scheme 2023. Collection method: clinical testing. Allele origin: germline.
Comment: The c.798+4A>T intronic variant results from an A to T substitution 4 nucleotides after coding exon 8 in the DDX41 gene. This nucleotide position is highly conserved in available vertebrate species. In silico splice site analysis predicts that this alteration may weaken the native splice donor site. Based on the available evidence, the clinical significance of this variant remains unclear.